The following is an entry in ClinVar:

ClinVar aggregate classification (germline): Likely benign (1 of 4 stars; one submission).

Submission:

CeGaT Center for Human Genetics Tuebingen
Classification: Likely benign. Last evaluated: 2026-01-01. Review status: criteria provided, single submitter. Criteria: CeGaT Center For Human Genetics Tuebingen Variant Classification Criteria Version 2. Collection method: clinical testing. Allele origin: germline. Affected: yes. Observed: 1 variant allele.
Comment: EXOC3L2: PM2:Supporting, BP4, BP7

NM_001382422.1(EXOC3L2):c.1053C>G (p.Gly351=)

Gene: EXOC3L2 (exocyst complex component 3 like 2; minus strand). Cytogenetic location: 19q13.32.
Variant type: single nucleotide variant.
Coding change: c.1053C>G on transcript NM_001382422.1 (MANE Select); coding-DNA position 1053, C replaced by G.
Protein change: p.Gly351=; no amino-acid change (glycine 351 retained).
Molecular consequence: synonymous variant.
Genome position (GRCh38, 1-based): chr19:45,234,297, G>C on the plus strand (C>G on the coding strand, the complement: EXOC3L2 is on the minus strand). VCF-style: chr19-45234297-G-C. GRCh37 (hg19) VCF-style: chr19-45737555-G-C.
Identifiers: ClinVar variation 4822621 (VCV004822621.4).